The following is an entry in ClinVar:

ClinVar aggregate classification (germline): Conflicting classifications of pathogenicity. Review status: criteria provided, conflicting classifications (1 of 4 stars). 2 submissions from 2 submitters: Uncertain significance (1); Likely benign (1). Last evaluated 2025-01-29.

Conditions:
Inborn genetic diseases. Identifiers: MedGen C0950123, MeSH D030342.

Allele frequency attached by ClinVar (database versions not stated): gnomAD 0.00001; gnomAD exomes below 0.00001.
gnomAD v4.1: 3 of 1,613,804 alleles (0.00019%); highest among the groups gnomAD compares: Non-Finnish European, 0.00025%; no homozygotes.

Submissions (2):

Ambry Genetics
Classification: Likely benign for Inborn genetic diseases. Last evaluated: 2025-01-29. Review status: criteria provided, single submitter. Criteria: Ambry Variant Classification Scheme 2023. Collection method: clinical testing. Allele origin: germline.

Labcorp Genetics (formerly Invitae), Labcorp
Classification: Uncertain significance. Last evaluated: 2021-08-27. Review status: criteria provided, single submitter. Criteria: Invitae Variant Classification Sherloc (09022015). Collection method: clinical testing. Allele origin: germline.
Comment: This sequence change replaces isoleucine with valine at codon 1760 of the CAD protein (p.Ile1760Val). The isoleucine residue is moderately conserved and there is a small physicochemical difference between isoleucine and valine. This variant is not present in population databases (ExAC no frequency). This variant has not been reported in the literature in individuals affected with CAD-related conditions. Algorithms developed to predict the effect of missense changes on protein structure and function output the following: SIFT: "Tolerated"; PolyPhen-2: "Benign"; Align-GVGD: "Class C0". The valine amino acid residue is found in multiple mammalian species, which suggests that this missense change does not adversely affect protein function. In summary, the available evidence is currently insufficient to determine the role of this variant in disease. Therefore, it has been classified as a Variant of Uncertain Significance.

NM_004341.5(CAD):c.5278A>G (p.Ile1760Val)

Gene: CAD (carbamoyl-phosphate synthetase 2, aspartate transcarbamylase, and dihydroorotase; plus strand). Cytogenetic location: 2p23.3.
Variant type: single nucleotide variant.
Coding change: c.5278A>G on transcript NM_004341.5 (MANE Select); coding-DNA position 5278, A replaced by G.
Protein change: p.Ile1760Val; replaces isoleucine 1760 with valine.
Molecular consequence: missense variant.
Genome position (GRCh38, 1-based): chr2:27,239,355, A>G. VCF-style: chr2-27239355-A-G. GRCh37 (hg19) VCF-style: chr2-27462223-A-G.
Other names: c.5089A>G, p.Ile1697Val (NM_001306079.2); c.5278A>G (NM_004341.3); short protein forms I1697V, I1760V.
Identifiers: ClinVar variation 1353572 (VCV001353572.6), dbSNP rs1399594906, ClinGen allele CA346222505.
Genomic context (GRCh38, chr2:27,239,355, plus strand): 5'-ATCCTTTCCCTAGCATAACCCATGTCCTCTGGGCAGGTGGATCTGGAGCATGAGTGGACA[A>G]TTCCCAGCCACATGCCCTTCTCCAAGGCCCACTGGACACCTTTTGAAGGGCAGAAAGTGA-3'
Protein context (NP_004332.2, residues 1750-1770): VEVDLEHEWT[Ile1760Val]PSHMPFSKAH